The following is an entry in ClinVar:

NM_001080517.3(SETD5):c.1048A>G (p.Ile350Val)

Gene: SETD5 (SET domain containing 5; plus strand). Cytogenetic location: 3p25.3.
Variant type: single nucleotide variant.
Coding change: c.1048A>G on transcript NM_001080517.3 (MANE Select); coding-DNA position 1048, A replaced by G.
Protein change: p.Ile350Val; replaces isoleucine 350 with valine.
Molecular consequence: missense variant.
Genome position (GRCh38, 1-based): chr3:9,442,216, A>G. VCF-style: chr3-9442216-A-G. GRCh37 (hg19) VCF-style: chr3-9483900-A-G.
Other names: c.754A>G, p.Ile252Val (NM_001292043.2, NM_001349451.2); c.1144A>G, p.Ile382Val (NM_001437633.1); c.1105A>G, p.Ile369Val (NM_001437635.1); c.1048A>G, p.Ile350Val (NM_001437643.1); c.1087A>G, p.Ile363Val (NM_001437701.1); short protein forms I252V, I350V, I363V, I369V, I382V.
Identifiers: ClinVar variation 4686617 (VCV004686617.1).

ClinVar aggregate classification (germline): Likely benign (1 of 4 stars; one submission).

Conditions:
Intellectual disability-facial dysmorphism syndrome due to SETD5 haploinsufficiency (MRD23). Also called: Intellectual developmental disorder, autosomal dominant 23. Identifiers: Orphanet 404440, MedGen C3810406, MONDO:0014336, OMIM 615761.

Submission:

Medical Genetics Laboratory, Niloo Shiraz Laboratory
Classification: Likely benign for Intellectual disability-facial dysmorphism syndrome due to SETD5 haploinsufficiency. Review status: criteria provided, single submitter. Criteria: ACMG Guidelines, 2015. Collection method: clinical testing. Allele origin: germline. Inheritance: Autosomal dominant inheritance. Affected: no.
Comment: There is one healthy woman in the Niloo Genome database carrying the SETD5:c.A1048 Gmissense mutation. Based on its presence in a phenotypically normal individual and lack of supporting pathogenic evidence, this mutation is classified as likely benign